The following is an entry in ClinVar:

ClinVar aggregate classification (germline): Uncertain significance (1 of 4 stars; one submission).

gnomAD v4.1: 14 of 1,211,430 alleles (0.0012%); highest among the groups gnomAD compares: Non-Finnish European, 0.0015%; no homozygotes.

Submission:

Labcorp Genetics (formerly Invitae), Labcorp
Classification: Uncertain significance. Last evaluated: 2024-08-28. Review status: criteria provided, single submitter. Criteria: Invitae Variant Classification Sherloc (09022015). Collection method: clinical testing. Allele origin: germline.
Comment: This sequence change replaces glutamic acid, which is acidic and polar, with aspartic acid, which is acidic and polar, at codon 530 of the TBC1D8B protein (p.Glu530Asp). This variant is present in population databases (rs751928877, gnomAD 0.006%). This variant has not been reported in the literature in individuals affected with TBC1D8B-related conditions. An algorithm developed to predict the effect of missense changes on protein structure and function outputs the following: PolyPhen-2: "Benign". The aspartic acid amino acid residue is found in multiple mammalian species, which suggests that this missense change does not adversely affect protein function. In summary, the available evidence is currently insufficient to determine the role of this variant in disease. Therefore, it has been classified as a Variant of Uncertain Significance.

NM_017752.3(TBC1D8B):c.1590A>C (p.Glu530Asp)

Gene: TBC1D8B (TBC1 domain family member 8B; plus strand). Cytogenetic location: Xq22.3.
Variant type: single nucleotide variant.
Coding change: c.1590A>C on transcript NM_017752.3 (MANE Select); coding-DNA position 1590, A replaced by C.
Protein change: p.Glu530Asp; replaces glutamic acid 530 with aspartic acid.
Molecular consequence: missense variant.
Genome position (GRCh38, 1-based): chrX:106,840,755, A>C. VCF-style: chrX-106840755-A-C. GRCh37 (hg19) VCF-style: chrX-106083985-A-C.
Other names: c.1590A>C, p.Glu530Asp (NM_198881.2); short protein forms E530D.
Identifiers: ClinVar variation 3629448 (VCV003629448.2).